The following is an entry in ClinVar:

ClinVar aggregate classification (germline): Likely benign (1 of 4 stars; one submission).

gnomAD v4.1: 154 of 1,614,198 alleles (0.0095%); highest among the groups gnomAD compares: South Asian, 0.079%; no homozygotes.

Submission:

CeGaT Center for Human Genetics Tuebingen
Classification: Likely benign. Last evaluated: 2025-02-01. Review status: criteria provided, single submitter. Criteria: CeGaT Center For Human Genetics Tuebingen Variant Classification Criteria Version 2. Collection method: clinical testing. Allele origin: germline. Affected: yes. Observed: 1 variant allele.
Comment: PGM2L1: BP4, BP7

NM_173582.6(PGM2L1):c.186T>C (p.Cys62=)

Gene: PGM2L1 (phosphoglucomutase 2 like 1; minus strand). Cytogenetic location: 11q13.4.
Variant type: single nucleotide variant.
Coding change: c.186T>C on transcript NM_173582.6 (MANE Select); coding-DNA position 186, T replaced by C.
Protein change: p.Cys62=; no amino-acid change (cysteine 62 retained).
Molecular consequence: synonymous variant.
Genome position (GRCh38, 1-based): chr11:74,374,508, A>G on the plus strand (T>C on the coding strand, the complement: PGM2L1 is on the minus strand). VCF-style: chr11-74374508-A-G. GRCh37 (hg19) VCF-style: chr11-74085553-A-G.
Identifiers: ClinVar variation 3770881 (VCV003770881.13).